The following is an entry in ClinVar:

ClinVar aggregate classification (germline): Uncertain significance. Review status: criteria provided, multiple submitters, no conflicts (2 of 4 stars). 3 submissions from 3 submitters: Uncertain significance (3). Last evaluated 2025-03-27.

Conditions:
Congenital dyserythropoietic anemia type type 1B (CDAN1B). Also called: ANEMIA, CONGENITAL DYSERYTHROPOIETIC, TYPE Ib; CDA, TYPE Ib; C15ORF41-Related Congenital Dyserythropoietic Anemia. Identifiers: Orphanet 98869, MedGen C3810185, MONDO:0014285, OMIM 615631.

gnomAD v4.1: 33 of 1,553,000 alleles (0.0021%); highest among the groups gnomAD compares: South Asian, 0.02%; 1 homozygote.

Submissions (3):

Labcorp Genetics (formerly Invitae), Labcorp
Classification: Uncertain significance. Last evaluated: 2025-03-27. Review status: criteria provided, single submitter. Criteria: Invitae Variant Classification Sherloc (09022015). Collection method: clinical testing. Allele origin: germline.
Comment: This sequence change replaces glutamic acid, which is acidic and polar, with alanine, which is neutral and non-polar, at codon 66 of the C15orf41 protein (p.Glu66Ala). This variant is present in population databases (rs200414277, gnomAD 0.004%). This variant has not been reported in the literature in individuals affected with C15orf41-related conditions. Invitae Evidence Modeling of protein sequence and biophysical properties (such as structural, functional, and spatial information, amino acid conservation, physicochemical variation, residue mobility, and thermodynamic stability) indicates that this missense variant is not expected to disrupt C15orf41 protein function with a negative predictive value of 80%. In summary, the available evidence is currently insufficient to determine the role of this variant in disease. Therefore, it has been classified as a Variant of Uncertain Significance.

Revvity Omics, Revvity
Classification: Uncertain significance for Congenital dyserythropoietic anemia type type 1B. Last evaluated: 2024-11-06. Review status: criteria provided, single submitter. Criteria: ACMG Guidelines, 2015. Collection method: clinical testing. Allele origin: germline.

Blueprint Genetics
Classification: Uncertain significance. Last evaluated: 2022-04-22. Review status: criteria provided, single submitter. Criteria: ACMG Guidelines, 2015. Collection method: clinical testing. Allele origin: germline.

NM_001321759.2(CDIN1):c.197A>C (p.Glu66Ala)

Gene: CDIN1 (CDAN1 interacting nuclease 1; plus strand). Cytogenetic location: 15q14.
Variant type: single nucleotide variant.
Coding change: c.197A>C on transcript NM_001321759.2 (MANE Select); coding-DNA position 197, A replaced by C.
Protein change: p.Glu66Ala; replaces glutamic acid 66 with alanine.
Molecular consequence: missense variant. On other transcripts: 5 prime UTR variant (4), intron variant (1).
Genome position (GRCh38, 1-based): chr15:36,645,272, A>C. VCF-style: chr15-36645272-A-C. GRCh37 (hg19) VCF-style: chr15-36937473-A-C.
Other names: c.197A>C, p.Glu66Ala (NM_001130010.3, NM_001290233.2, NM_001321760.2 and 1 more transcripts); c.-98A>C (NM_001290232.2, NM_001321756.2, NM_032499.6); c.-207A>C (NM_001321757.2); c.102-8826A>C (NM_001321758.2); short protein forms E66A.
Identifiers: ClinVar variation 4078133 (VCV004078133.3).